The following is an entry in ClinVar:

ClinVar aggregate classification (germline): Uncertain significance (1 of 4 stars; one submission).

Conditions:
Congenital myasthenic syndrome 8. Also called: MYASTHENIC SYNDROME, CONGENITAL, DUE TO AGRIN DEFICIENCY; Myasthenic syndrome, congenital, 8, with pre- and postsynaptic defects. Identifiers: Orphanet 590, MedGen C3808739, MONDO:0014052, OMIM 615120.

Submission:

Labcorp Genetics (formerly Invitae), Labcorp
Classification: Uncertain significance for Congenital myasthenic syndrome 8. Last evaluated: 2022-04-25. Review status: criteria provided, single submitter. Criteria: Invitae Variant Classification Sherloc (09022015). Collection method: clinical testing. Allele origin: germline.
Comment: In summary, the available evidence is currently insufficient to determine the role of this variant in disease. Therefore, it has been classified as a Variant of Uncertain Significance. Algorithms developed to predict the effect of missense changes on protein structure and function are either unavailable or do not agree on the potential impact of this missense change (SIFT: "Deleterious"; PolyPhen-2: "Probably Damaging"; Align-GVGD: "Class C0"). This variant has not been reported in the literature in individuals affected with AGRN-related conditions. This variant is not present in population databases (gnomAD no frequency). This sequence change replaces glycine, which is neutral and non-polar, with valine, which is neutral and non-polar, at codon 89 of the AGRN protein (p.Gly89Val).

NM_198576.4(AGRN):c.266G>T (p.Gly89Val)

Genes: AGRN (agrin; plus strand), LOC126805576 (P300/CBP strongly-dependent group 1 enhancer GRCh37_chr1:956772-957971; plus strand). Cytogenetic location: 1p36.33.
Variant type: single nucleotide variant.
Coding change: c.266G>T on transcript NM_198576.4 (MANE Select); coding-DNA position 266, G replaced by T.
Protein change: p.Gly89Val; replaces glycine 89 with valine.
Molecular consequence: missense variant.
Genome position (GRCh38, 1-based): chr1:1,022,265, G>T. VCF-style: chr1-1022265-G-T. GRCh37 (hg19) VCF-style: chr1-957645-G-T.
Other names: c.266G>T, p.Gly89Val (NM_001305275.2); short protein forms G89V.
Identifiers: ClinVar variation 2130690 (VCV002130690.4), dbSNP rs2523175630, ClinGen allele CA337812485.
Genomic context (GRCh38, chr1:1,022,265, plus strand): 5'-GGGTCTGGCGGTACTTGAAGGGCAAAGACCTGGTGGCCCGGGAGAGCCTGCTGGACGGCG[G>T]CAACAAGGTGGTGATCAGCGGCTTTGGAGACCCCCTCATCTGTGACAACCAGGTGTCCAC-3'
Protein context (NP_940978.2, residues 79-99): LVARESLLDG[Gly89Val]NKVVISGFGD